The following is an entry in ClinVar:

ClinVar aggregate classification (germline): Pathogenic (1 of 4 stars; one submission).

Submission:

Labcorp Genetics (formerly Invitae), Labcorp
Classification: Pathogenic. Last evaluated: 2019-12-13. Review status: criteria provided, single submitter. Criteria: Invitae Variant Classification Sherloc (09022015). Collection method: clinical testing. Allele origin: germline.
Comment: For these reasons, this variant has been classified as Pathogenic. This variant disrupts the C-terminus of the LOXHD1 protein. Other variant(s) that disrupt this region (p.Ala2106Glnfs*9) have been determined to be pathogenic (Invitae). This suggests that variants that disrupt this region of the protein are likely to be causative of disease. This variant has not been reported in the literature in individuals with LOXHD1-related conditions. This variant is not present in population databases (ExAC no frequency). This sequence change results in a premature translational stop signal in the LOXHD1 gene (p.Phe2073Serfs*26). While this is not anticipated to result in nonsense mediated decay, it is expected to disrupt the last 137 amino acids of the LOXHD1 protein.

NM_001384474.1(LOXHD1):c.6404del (p.Phe2135fs)

Gene: LOXHD1 (lipoxygenase homology PLAT domains 1; minus strand). Cytogenetic location: 18q21.1.
Variant type: Deletion.
Coding change: c.6404del on transcript NM_001384474.1 (MANE Select); coding-DNA position 6404, one base deleted (T; older notation c.6404delT).
Protein change: p.Phe2135fs; shifts the reading frame from phenylalanine 2135.
Molecular consequence: frameshift variant.
Genome position (GRCh38, 1-based): chr18:46,477,890, A deleted on the plus strand (T on the coding strand, the reverse complement: LOXHD1 is on the minus strand); the first of 2 consecutive A bases (chr18:46,477,890-46,477,891); deleting either gives the same sequence. VCF-style (leftmost placement, unchanged base first): chr18-46477889-GA-G. GRCh37 (hg19) VCF-style: chr18-44057852-GA-G.
Other names: c.3071del, p.Phe1024fs (NM_001145472.3); c.1121del, p.Phe374fs (NM_001145473.3, NM_001173129.2); c.2783del, p.Phe928fs (NM_001308013.2); c.6218del, p.Phe2073fs (NM_144612.7); short protein forms F374fs, F928fs, F1024fs, F2073fs, F2135fs.
Identifiers: ClinVar variation 863808 (VCV000863808.10), dbSNP rs2032164364, ClinGen allele CA916083644.